The following is an entry in ClinVar:

ClinVar aggregate classification (germline): Uncertain significance (1 of 4 stars; one submission).

Conditions:
ARMC5-related disorder. Also called: ARMC5-related condition.

gnomAD v4.1: 1 of 1,603,712 alleles (0.000062%); highest among the groups gnomAD compares: Non-Finnish European, 0.000085%; no homozygotes.

Submission:

PreventionGenetics, part of Exact Sciences
Classification: Uncertain significance for ARMC5-related condition. Last evaluated: 2023-01-18. Review status: criteria provided, single submitter. Criteria: ACMG Guidelines, 2015. Collection method: clinical testing. Allele origin: germline.
Comment: The ARMC5 c.343G>A variant is predicted to result in the amino acid substitution p.Ala115Thr. To our knowledge, this variant has not been reported in the literature or in a large population database, indicating this variant is rare. At this time, the clinical significance of this variant is uncertain due to the absence of conclusive functional and genetic evidence.

NM_001105247.2(ARMC5):c.58G>A (p.Ala20Thr)

Gene: ARMC5 (armadillo repeat containing 5; plus strand). Cytogenetic location: 16p11.2.
Variant type: single nucleotide variant.
Coding change: c.58G>A on transcript NM_001105247.2 (MANE Select); coding-DNA position 58, G replaced by A.
Protein change: p.Ala20Thr; replaces alanine 20 with threonine.
Molecular consequence: missense variant.
Genome position (GRCh38, 1-based): chr16:31,459,582, G>A. VCF-style: chr16-31459582-G-A. GRCh37 (hg19) VCF-style: chr16-31470903-G-A.
Other names: c.343G>A, p.Ala115Thr (NM_001288767.2); c.154G>A, p.Ala52Thr (NM_001301820.1); c.58G>A, p.Ala20Thr (NM_024742.2); short protein forms A115T, A20T, A52T.
Identifiers: ClinVar variation 2636646 (VCV002636646.1), dbSNP rs2544850725, ClinGen allele CA395728444.